The following is an entry in ClinVar:

ClinVar aggregate classification (germline): Uncertain significance (1 of 4 stars; one submission).

Conditions:
Dystonic disorder. Also called: Dystonia. Identifiers: MedGen C0013421, MONDO:0003441, HP:0001332.

Submission:

Labcorp Genetics (formerly Invitae), Labcorp
Classification: Uncertain significance for Dystonic disorder. Last evaluated: 2021-07-04. Review status: criteria provided, single submitter. Criteria: Invitae Variant Classification Sherloc (09022015). Collection method: clinical testing. Allele origin: germline.
Comment: This variant has not been reported in the literature in individuals affected with CIZ1-related conditions. This variant is not present in population databases (ExAC no frequency). This sequence change replaces methionine with isoleucine at codon 287 of the CIZ1 protein (p.Met287Ile). The methionine residue is moderately conserved and there is a small physicochemical difference between methionine and isoleucine. Algorithms developed to predict the effect of missense changes on protein structure and function output the following: SIFT: "Tolerated"; PolyPhen-2: "Benign"; Align-GVGD: "Class C0". The isoleucine amino acid residue is found in multiple mammalian species, which suggests that this missense change does not adversely affect protein function. In summary, the available evidence is currently insufficient to determine the role of this variant in disease. Therefore, it has been classified as a Variant of Uncertain Significance.

NM_001131016.2(CIZ1):c.861G>A (p.Met287Ile)

Gene: CIZ1 (CDKN1A interacting zinc finger protein 1; minus strand). Cytogenetic location: 9q34.11.
Variant type: single nucleotide variant.
Coding change: c.861G>A on transcript NM_001131016.2 (MANE Select); coding-DNA position 861, G replaced by A.
Protein change: p.Met287Ile; replaces methionine 287 with isoleucine.
Molecular consequence: missense variant.
Genome position (GRCh38, 1-based): chr9:128,179,346, C>T on the plus strand (G>A on the coding strand, the complement: CIZ1 is on the minus strand). VCF-style: chr9-128179346-C-T. GRCh37 (hg19) VCF-style: chr9-130941625-C-T.
Other names: c.861G>A, p.Met287Ile (NM_001131015.2, NM_012127.3); c.846G>A, p.Met282Ile (NM_001131017.2); c.789G>A, p.Met263Ile (NM_001131018.2); c.951G>A, p.Met317Ile (NM_001257975.2); c.558G>A, p.Met186Ile (NM_001257976.2); short protein forms M317I, M282I, M287I, M186I, M263I.
Identifiers: ClinVar variation 1437437 (VCV001437437.8), dbSNP rs745884511, ClinGen allele CA375029365.